The following is an entry in ClinVar:

ClinVar aggregate classification (germline): Uncertain significance (1 of 4 stars; one submission).

Conditions:
Inborn genetic diseases. Identifiers: MedGen C0950123, MeSH D030342.

gnomAD v4.1: 3 of 1,614,182 alleles (0.00019%); highest among the groups gnomAD compares: Non-Finnish European, 0.00025%; no homozygotes.

Submission:

Ambry Genetics
Classification: Uncertain significance for Inborn genetic diseases. Last evaluated: 2025-05-03. Review status: criteria provided, single submitter. Criteria: Ambry Variant Classification Scheme 2023. Collection method: clinical testing. Allele origin: germline.
Comment: The p.D87N variant (also known as c.259G>A), located in coding exon 2 of the HAX1 gene, results from a G to A substitution at nucleotide position 259. The aspartic acid at codon 87 is replaced by asparagine, an amino acid with highly similar properties. This amino acid position is conserved. In addition, this alteration is predicted to be tolerated by in silico analysis. Based on the available evidence, the clinical significance of this variant remains unclear.

NM_006118.4(HAX1):c.259G>A (p.Asp87Asn)

Gene: HAX1 (HCLS1 associated protein X-1; plus strand). Cytogenetic location: 1q21.3.
Variant type: single nucleotide variant.
Coding change: c.259G>A on transcript NM_006118.4 (MANE Select); coding-DNA position 259, G replaced by A.
Protein change: p.Asp87Asn; replaces aspartic acid 87 with asparagine.
Molecular consequence: missense variant.
Genome position (GRCh38, 1-based): chr1:154,273,541, G>A. VCF-style: chr1-154273541-G-A. GRCh37 (hg19) VCF-style: chr1-154246017-G-A.
Other names: c.115G>A, p.Asp39Asn (NM_001018837.2); short protein forms D39N, D87N.
Identifiers: ClinVar variation 4033852 (VCV004033852.1).